The following is an entry in ClinVar:

NM_001393797.1(ABCC12):c.2900G>C (p.Arg967Pro)

Gene: ABCC12 (ATP binding cassette subfamily C member 12; minus strand). Cytogenetic location: 16q12.1.
Variant type: single nucleotide variant.
Coding change: c.2900G>C on transcript NM_001393797.1 (MANE Select); coding-DNA position 2900, G replaced by C.
Protein change: p.Arg967Pro; replaces arginine 967 with proline.
Molecular consequence: missense variant. On other transcripts: non-coding transcript variant (5).
Genome position (GRCh38, 1-based): chr16:48,104,142, C>G on the plus strand (G>C on the coding strand, the complement: ABCC12 is on the minus strand). VCF-style: chr16-48104142-C-G. GRCh37 (hg19) VCF-style: chr16-48138053-C-G.
Other names: c.2900G>C, p.Arg967Pro (NM_033226.3); short protein forms R967P.
Identifiers: ClinVar variation 4989978 (VCV004989978.1).

ClinVar aggregate classification (germline): Uncertain significance (1 of 4 stars; one submission).

Conditions:
ABCC12-related condition.

gnomAD v4.1: 60 of 1,613,446 alleles (0.0037%); highest among the groups gnomAD compares: Admixed American, 0.01%; no homozygotes.

Submission:

PreventionGenetics, part of Exact Sciences
Classification: Uncertain significance for ABCC12-related condition. Last evaluated: 2026-04-20. Review status: criteria provided, single submitter. Criteria: ACMG Guidelines, 2015. Collection method: clinical testing. Allele origin: germline.
Comment: The ABCC12 c.2900G>C variant is predicted to result in the amino acid substitution p.Arg967Pro. To our knowledge, this variant has not been reported in the literature. This variant is reported in 0.014% of alleles in individuals of Latino descent in gnomAD. At this time, the clinical significance of this variant is uncertain due to the absence of conclusive functional and genetic evidence.